The following is an entry in ClinVar:

NM_198578.4(LRRK2):c.3025C>G (p.His1009Asp)

Gene: LRRK2 (leucine rich repeat kinase 2; plus strand). Cytogenetic location: 12q12.
Variant type: single nucleotide variant.
Coding change: c.3025C>G on transcript NM_198578.4 (MANE Select); coding-DNA position 3025, C replaced by G.
Protein change: p.His1009Asp; replaces histidine 1009 with aspartic acid.
Molecular consequence: missense variant.
Genome position (GRCh38, 1-based): chr12:40,295,573, C>G. VCF-style: chr12-40295573-C-G. GRCh37 (hg19) VCF-style: chr12-40689375-C-G.
Other names: short protein forms H1009D.
Identifiers: ClinVar variation 3229587 (VCV003229587.1), dbSNP rs373366713, ClinGen allele CA6513805.
Genomic context (GRCh38, chr12:40,295,573, plus strand): 5'-CTTTCAGCAAATGAACTAAGAGATATTGATGCCCTAAGCCAGAAATGCTGTATAAGTGTT[C>G]ATTTGGAGCATCTTGAAAAGCTGGAGCTTCACCAGAATGCACTCACGAGCTTTCCACAAC-3'
Protein context (NP_940980.4, residues 999-1019): ALSQKCCISV[His1009Asp]LEHLEKLELH

ClinVar aggregate classification (germline): Uncertain significance (1 of 4 stars; one submission).

Conditions:
Inborn genetic diseases. Identifiers: MedGen C0950123, MeSH D030342.

Allele frequency attached by ClinVar (database versions not stated): gnomAD exomes below 0.00001; TOPMed below 0.00001; ExAC 0.00001; gnomAD 0.00001; ESP Exome Variant Server 0.00008.
gnomAD v4.1: 2 of 1,613,888 alleles (0.00012%); highest among the groups gnomAD compares: Non-Finnish European, 0.00017%; no homozygotes.

Submission:

Ambry Genetics
Classification: Uncertain significance for Inborn genetic diseases. Last evaluated: 2024-01-13. Review status: criteria provided, single submitter. Criteria: Ambry Variant Classification Scheme 2023. Collection method: clinical testing. Allele origin: germline.
Comment: The p.H1009D variant (also known as c.3025C>G), located in coding exon 23 of the LRRK2 gene, results from a C to G substitution at nucleotide position 3025. The histidine at codon 1009 is replaced by aspartic acid, an amino acid with similar properties. This amino acid position is conserved. In addition, the in silico prediction for this alteration is inconclusive. Since supporting evidence is limited at this time, the clinical significance of this alteration remains unclear.